The following is an entry in ClinVar:

NM_006904.7(PRKDC):c.11162G>A (p.Gly3721Glu)

Gene: PRKDC (protein kinase, DNA-activated, catalytic subunit; minus strand). Cytogenetic location: 8q11.21.
Variant type: single nucleotide variant.
Coding change: c.11162G>A on transcript NM_006904.7 (MANE Select); coding-DNA position 11162, G replaced by A.
Protein change: p.Gly3721Glu; replaces glycine 3721 with glutamic acid.
Molecular consequence: missense variant.
Genome position (GRCh38, 1-based): chr8:47,783,755, C>T on the plus strand (G>A on the coding strand, the complement: PRKDC is on the minus strand). VCF-style: chr8-47783755-C-T. GRCh37 (hg19) VCF-style: chr8-48696316-C-T.
Other names: c.11162G>A, p.Gly3721Glu (NM_001081640.2); short protein forms G3721E.
Identifiers: ClinVar variation 2453020 (VCV002453020.2), dbSNP rs2551860656, ClinGen allele CA371130683.
Genomic context (GRCh38, chr8:47,783,755, plus strand): 5'-AGAACGTTCATCAGGACAGGGACTGGGTCACACACCCTCACACCTACCCGCTCATCAAAC[C>T]CGGCGATTCGCACGTGGTACTCTGGCAATGGCTTTCCCCTACCGTCATACTGACCTAAAA-3'
Protein context (NP_008835.5, residues 3711-3731): PLPEYHVRIA[Gly3721Glu]FDERVTVMAS

ClinVar aggregate classification (germline): Uncertain significance (1 of 4 stars; one submission).

Submission:

Ambry Genetics
Classification: Uncertain significance. Last evaluated: 2022-12-17. Review status: criteria provided, single submitter. Criteria: Ambry Variant Classification Scheme 2023. Collection method: clinical testing. Allele origin: germline.
Comment: The p.G3721E variant (also known as c.11162G>A), located in coding exon 78 of the PRKDC gene, results from a G to A substitution at nucleotide position 11162. The glycine at codon 3721 is replaced by glutamic acid, an amino acid with similar properties. This amino acid position is conserved. Since supporting evidence is limited at this time, the clinical significance of this alteration remains unclear.